The following is an entry in ClinVar:

NM_138813.4(ATP8B3):c.2880G>A (p.Glu960=)

Gene: ATP8B3 (ATPase phospholipid transporting 8B3; minus strand). Cytogenetic location: 19p13.3.
Variant type: single nucleotide variant.
Coding change: c.2880G>A on transcript NM_138813.4 (MANE Select); coding-DNA position 2880, G replaced by A.
Protein change: p.Glu960=; no amino-acid change (glutamic acid 960 retained).
Molecular consequence: synonymous variant. On other transcripts: non-coding transcript variant (1).
Genome position (GRCh38, 1-based): chr19:1,789,086, C>T on the plus strand (G>A on the coding strand, the complement: ATP8B3 is on the minus strand). VCF-style: chr19-1789086-C-T. GRCh37 (hg19) VCF-style: chr19-1789085-C-T.
Other names: c.2769G>A, p.Glu923= (NM_001178002.3).
Identifiers: ClinVar variation 781876 (VCV000781876.28), dbSNP rs34098818, ClinGen allele CA9051106.

ClinVar aggregate classification (germline): Benign/Likely benign. Review status: criteria provided, multiple submitters, no conflicts (2 of 4 stars). 2 submissions from 2 submitters: Benign (1); Likely benign (1). Last evaluated 2024-01-01.

Allele frequency attached by ClinVar (database versions not stated): 1000 Genomes Project 0.00280; 1000 Genomes Project 30x 0.00281; ESP Exome Variant Server 0.00452; gnomAD exomes 0.00472 and 0.00728; gnomAD 0.00489 and 0.00549; TOPMed 0.00544; ExAC 0.00641.
gnomAD v4.1: 11,216 of 1,581,044 alleles (0.71%); highest among the groups gnomAD compares: Non-Finnish European, 0.87%; 50 homozygotes.

Submissions (2):

CeGaT Center for Human Genetics Tuebingen
Classification: Likely benign. Last evaluated: 2024-01-01. Review status: criteria provided, single submitter. Criteria: CeGaT Center For Human Genetics Tuebingen Variant Classification Criteria Version 2. Collection method: clinical testing. Allele origin: germline. Affected: yes. Observed: 2 variant alleles.
Comment: ATP8B3: BP4, BP7, BS2

Labcorp Genetics (formerly Invitae), Labcorp
Classification: Benign. Last evaluated: 2019-12-31. Review status: criteria provided, single submitter. Criteria: Invitae Variant Classification Sherloc (09022015). Collection method: clinical testing. Allele origin: germline.